The following is an entry in ClinVar:

ClinVar aggregate classification (germline): Likely benign (1 of 4 stars; one submission).

Conditions:
FMN2-related disorder. Also called: FMN2-related condition.

Submission:

PreventionGenetics, part of Exact Sciences
Classification: Likely benign for FMN2-related condition. Last evaluated: 2021-07-28. Review status: criteria provided, single submitter. Criteria: ACMG Guidelines, 2015. Collection method: clinical testing. Allele origin: germline.
Comment: This variant is classified as likely benign based on ACMG/AMP sequence variant interpretation guidelines (Richards et al. 2015 PMID: 25741868, with internal and published modifications).

NM_020066.5(FMN2):c.2877T>A (p.Leu959=)

Gene: FMN2 (formin 2; plus strand). Cytogenetic location: 1q43.
Variant type: single nucleotide variant.
Coding change: c.2877T>A on transcript NM_020066.5 (MANE Select); coding-DNA position 2877, T replaced by A.
Protein change: p.Leu959=; no amino-acid change (leucine 959 retained).
Molecular consequence: synonymous variant. On other transcripts: intron variant (1).
Genome position (GRCh38, 1-based): chr1:240,207,689, T>A. VCF-style: chr1-240207689-T-A. GRCh37 (hg19) VCF-style: chr1-240370989-T-A.
Other names: c.2889T>A, p.Leu963= (NM_001305424.2); c.1986+19427T>A (NM_001348094.2).
Identifiers: ClinVar variation 3038926 (VCV003038926.1), dbSNP rs201221641, ClinGen allele CA1476842.